The following is an entry in ClinVar:

ClinVar aggregate classification (germline): Pathogenic/Likely pathogenic. Review status: criteria provided, multiple submitters, no conflicts (2 of 4 stars). 9 submissions from 9 submitters: Pathogenic (4); Likely pathogenic (4). 1 of the submissions does not count toward it. Last evaluated 2026-02-09.

Conditions:
Lateral meningocele syndrome (LMNS). Also called: NOTCH3-Related Lateral Meningocele Syndrome. Identifiers: Orphanet 2789, MedGen C1851710, MONDO:0007537, OMIM 130720.
Myofibromatosis, infantile, 2. Identifiers: Orphanet 2591, MedGen C3809084, MONDO:0014122, OMIM 615293.
Cerebral arteriopathy, autosomal dominant, with subcortical infarcts and leukoencephalopathy, type 1 (CADASIL1). Also called: CADASIL 1; CASIL; DEMENTIA, HEREDITARY MULTIINFARCT TYPE; Cerebral arteriopathy with subcortical infarcts and leukoencephalopathy 1. Identifiers: Orphanet 136, MedGen C4551768, MONDO:0000914, OMIM 125310.
NOTCH3-related disorder. Also called: NOTCH3-related condition; NOTCH3-related disorders.

Allele frequency attached by ClinVar (database versions not stated): gnomAD 0.00001.

Submissions (9):

GeneDx
Classification: Likely pathogenic. Last evaluated: 2026-02-09. Review status: criteria provided, single submitter. Criteria: GeneDx Variant Classification Process June 2021. Collection method: clinical testing. Allele origin: germline. Affected: yes.
Comment: In silico analysis suggests that this missense variant does not alter protein structure/function; Not observed at significant frequency in large population cohorts (gnomAD); This variant is associated with the following publications: (PMID: 37873835, 22878905, 15995828, 18803652, 20038773, 22367627, 21786151, 32765252, 32912545, 35754959, 34335700, 31998484, Ivan2021[Article], 37476306, Uemura_2022, 35775048, 30956055, 32277177, 12146805, 24844136, 36261288, 21616505, 41181281)

Labcorp Genetics (formerly Invitae), Labcorp
Classification: Pathogenic. Last evaluated: 2025-10-21. Review status: criteria provided, single submitter. Criteria: Invitae Variant Classification Sherloc (09022015). Collection method: clinical testing. Allele origin: germline.
Comment: This sequence change replaces tyrosine, which is neutral and polar, with cysteine, which is neutral and slightly polar, at codon 1021 of the NOTCH3 protein (p.Tyr1021Cys). This variant is not present in population databases (gnomAD no frequency). This missense change has been observed in individuals with cerebral arteriopathy with subcortical infarcts and leukoencephalopathy 1 (PMID: 18803652, 21786151, 31998484, 32277177). ClinVar contains an entry for this variant (Variation ID: 447825). Invitae Evidence Modeling of protein sequence and biophysical properties (such as structural, functional, and spatial information, amino acid conservation, physicochemical variation, residue mobility, and thermodynamic stability) has been performed for this missense variant. However, the output from this modeling did not meet the statistical confidence thresholds required to predict the impact of this variant on NOTCH3 protein function. For these reasons, this variant has been classified as Pathogenic.

Mayo Clinic Laboratories, Mayo Clinic
Classification: Likely pathogenic. Last evaluated: 2025-07-16. Review status: criteria provided, single submitter. Criteria: ACMG Guidelines, 2015. Collection method: clinical testing. Allele origin: germline. Observed: 7 variant alleles.
Comment: PP2, PM1, PM2_supporting, PS4

ARUP Laboratories, Molecular Genetics and Genomics, ARUP Laboratories
Classification: Pathogenic. Last evaluated: 2025-06-23. Review status: criteria provided, single submitter. Criteria: ARUP Molecular Germline Variant Investigation Process 2024. Collection method: clinical testing. Allele origin: germline.
Comment: The NOTCH3 c.3062A>G; p.Tyr1021Cys variant (rs1167405466) is reported in the literature in several individuals affected with CADASIL (Hu 2021, Kalimo 2002, Mukai 2020, Pantoni 2010, Piccirillo 2008, Shindo 2020, Taniguchi 2022, Ueda 2022, Uppal 2019, Valenti 2012). This variant is also reported in ClinVar (Variation ID: 447825). It is only observed on one allele in the Genome Aggregation Database (v2.1.1), indicating it is not a common polymorphism. Computational analyses are uncertain whether this variant is neutral or deleterious (REVEL: 0.658). However, this variant occurs in an EGF-like domain, and most pathogenic NOTCH3 variants occur in exons 2-24 and either create or destroy a cysteine residue within an EGF-like domain (Rutten 2014). Based on available information, this variant is considered to be pathogenic. References: Hu Y et al. NOTCH3 Variants and Genotype-Phenotype Features in Chinese CADASIL Patients. Front Genet. 2021 Jul 15;12:705284. PMID: 34335700. Kalimo H et al. CADASIL: a common form of hereditary arteriopathy causing brain infarcts and dementia. Brain Pathol. 2002 Jul;12(3):371-84. PMID: 12146805. Mukai M et al. Genotype-phenotype correlations and effect of mutation location in Japanese CADASIL patients. J Hum Genet. 2020 Aug;65(8):637-646. PMID: 32277177. Pantoni L et al. Comparison of clinical, familial, and MRI features of CADASIL and NOTCH3-negative patients. Neurology. 2010 Jan 5;74(1):57-63. PMID: 20038773. Piccirillo G et al. Increased QT variability in cerebral autosomal dominant arteriopathy with subcortical infarcts and leukoencephalopathy. Eur J Neurol. 2008 Nov;15(11):1216-21. PMID: 18803652. Rutten JW et al. Interpretation of NOTCH3 mutations in the diagnosis of CADASIL. Expert Rev Mol Diagn. 2014 Jun;14(5):593-603. PMID: 24844136. Shindo A et al. A Nationwide Survey and Multicenter Registry-Based Database of Cerebral Autosomal Dominant Arteriopathy With Subcortical Infarcts and Leukoencephalopathy in Japan. Front Aging Neurosci. 2020 Jul 14;12:216. PMID: 32765252. Taniguchi A et al. Imaging Characteristics for Predicting Cognitive Impairment in Patients With Cerebral Autosomal Dominant Arteriopathy With Subcortical Infarcts and Leukoencephalopathy. Front Aging Neurosci. 2022 Jun 10;14:876437. PMID: 35754959. Ueda A et al. Detection of Vascular Notch3 Deposits in Unfixed Frozen Skin Biopsy Sample in CADASIL. Front Neurol. 2022 Jun 14;13:881528. PMID: 35775048. Uppal M et al. CADASIL presenting as late-onset mania with anosognosia. Clin Case Rep. 2019 Dec 8;8(1):47-50. PMID: 31998484. Valenti R et al. High lipoprotein(a) serum levels in three CADASIL families. J Neurol. 2012 Feb;259(2):379-80. PMID: 21786151.

Women's Health and Genetics/Laboratory Corporation of America, LabCorp
Classification: Pathogenic for NOTCH3-Related Disorders. Last evaluated: 2024-09-10. Review status: criteria provided, single submitter. Criteria: LabCorp Variant Classification Summary - May 2015. Collection method: clinical testing. Allele origin: germline.
Comment: Variant summary: NOTCH3 c.3062A>G (p.Tyr1021Cys) results in a non-conservative amino acid change located in the EGF-like domain (IPR000742) of the encoded protein sequence. Three of five in-silico tools predict a benign effect of the variant on protein function. The variant was absent in 228302 control chromosomes (gnomAD). c.3062A>G has been reported in the literature in multiple individuals affected with CADASIL or related conditions (e.g. Kalimo_2002, Mukai_2020, Uppal_2020, Hu_2021, Uemura_2022). These data indicate that the variant is very likely to be associated with disease. The following publications have been ascertained in the context of this evaluation (PMID: 12146805, 32277177, 31998484, 34335700, 36261288). ClinVar contains an entry for this variant (Variation ID: 447825). Based on the evidence outlined above, the variant was classified as pathogenic.

Athena Diagnostics
Classification: Pathogenic. Last evaluated: 2023-02-02. Review status: criteria provided, single submitter. Criteria: Athena Diagnostics Criteria. Collection method: clinical testing. Allele origin: unknown.
Comment: The frequency of this variant in the general population is consistent with pathogenicity. This variant has been identified in multiple unrelated individuals with clinical features of CADASIL. This variant occurs as the most likely explanation for disease in a significant number of cases, suggesting this variant is associated with disease. This variant alters a critical location within the protein, and is expected to severely affect function and cause disease. Greater than 90% of NOTCH3 pathogenic variants associated with CADASIL involve the gain or loss of a cysteine residue within the epidermal growth factor (EGF)-like repeat domain (PMID: 32457593, 20301673).

Revvity Omics, Revvity
Classification: Likely pathogenic. Last evaluated: 2022-03-17. Review status: criteria provided, single submitter. Criteria: ACMG Guidelines, 2015. Collection method: clinical testing. Allele origin: germline.

Blueprint Genetics
Classification: Likely pathogenic for NOTCH3-related disorders. Last evaluated: 2021-02-02. Review status: criteria provided, single submitter. Criteria: ACMG Guidelines, 2015. Collection method: clinical testing. Allele origin: germline. Affected: yes. Observed: 2 variant alleles.

PreventionGenetics, part of Exact Sciences
Classification: Pathogenic for NOTCH3-related condition. Last evaluated: 2024-04-10. Review status: no assertion criteria provided. Collection method: clinical testing. Allele origin: germline. Not counted in ClinVar's aggregate classification.
Comment: The NOTCH3 c.3062A>G variant is predicted to result in the amino acid substitution p.Tyr1021Cys. This variant has been reported to be causative for CADASIL in several unrelated individuals (Kalimo et al. 2002. PubMed ID: 12146805; Pantoni et al. 2010. PubMed ID: 20038773). Of note, the vast majority of CADASIL-causing missense variants in the NOTCH3 gene result in the gain or loss of cysteine residues in the extracellular domain of the protein, as seen in this patient. This patient’s variant adds a cysteine residue and is located in the extracellular EGF-like domain 26. Pathogenic variants in EGF domains 1-6 appear to be fully penetrant and are usually associated with the classical CADASIL phenotype. However, there is variability in disease severity. Pathogenic variants in EGF domains 7-34 have a much higher population frequency, and can predispose to a milder small-vessel disease, possibly even displaying incomplete or at least very late onset complete penetrance (OMIM #125310; Rutten et al. 2016. PubMed ID: 27844030; Rutten et al. 2019. PubMed ID: 30032161). At PreventionGenetics, we have previously identified this variant in other affected individuals. Taken together, we interpret this variant as pathogenic.

Literature cited by the submitters: PubMed 18803652 (cited by 3 submitters); PubMed 21786151 (cited by 3 submitters); PubMed 31998484 (cited by 3 submitters); PubMed 32277177 (cited by Labcorp Genetics (formerly Invitae), Labcorp and Women's Health and Genetics/Laboratory Corporation of America, LabCorp); PubMed 12146805 (cited by 3 submitters); PubMed 15995828 (cited by Mayo Clinic Laboratories, Mayo Clinic); PubMed 18384453 (cited by Mayo Clinic Laboratories, Mayo Clinic); PubMed 20038773 (cited by Mayo Clinic Laboratories, Mayo Clinic and Athena Diagnostics); PubMed 21616505 (cited by Mayo Clinic Laboratories, Mayo Clinic); PubMed 30956055 (cited by Mayo Clinic Laboratories, Mayo Clinic); PubMed 32912545 (cited by Mayo Clinic Laboratories, Mayo Clinic); PubMed 34335700 (cited by Mayo Clinic Laboratories, Mayo Clinic and Women's Health and Genetics/Laboratory Corporation of America, LabCorp); PubMed 35754959 (cited by Mayo Clinic Laboratories, Mayo Clinic); PubMed 35775048 (cited by Mayo Clinic Laboratories, Mayo Clinic); PubMed 36261288 (cited by Mayo Clinic Laboratories, Mayo Clinic and Women's Health and Genetics/Laboratory Corporation of America, LabCorp); PubMed 37476306 (cited by Mayo Clinic Laboratories, Mayo Clinic); PubMed 37873835 (cited by Mayo Clinic Laboratories, Mayo Clinic); PubMed 28815929 (cited by Athena Diagnostics).

NM_000435.3(NOTCH3):c.3062A>G (p.Tyr1021Cys)

Gene: NOTCH3 (notch receptor 3; minus strand). Cytogenetic location: 19p13.12.
Variant type: single nucleotide variant.
Coding change: c.3062A>G on transcript NM_000435.3 (MANE Select); coding-DNA position 3062, A replaced by G.
Protein change: p.Tyr1021Cys; replaces tyrosine 1021 with cysteine.
Molecular consequence: missense variant.
Genome position (GRCh38, 1-based): chr19:15,180,761, T>C on the plus strand (A>G on the coding strand, the complement: NOTCH3 is on the minus strand). VCF-style: chr19-15180761-T-C. GRCh37 (hg19) VCF-style: chr19-15291572-T-C.
Other names: short protein forms Y1021C.
Identifiers: ClinVar variation 447825 (VCV000447825.40), dbSNP rs1167405466, ClinGen allele CA404514283.
Genomic context (GRCh38, chr19:15,180,761, plus strand): 5'-CTGCAGGGCAAGCTTCGGATGTCACAGAGGCGTCCGCTCCATCCAGGGGGACAAAGGCAA[T>C]AGGCCCCAGTCTGGACGCAGCGACCCCCGTTTTGACAAGGCTGGCGGCTGCACCAATCCA-3'
Protein context (NP_000426.2, residues 1011-1031): NGGRCVQTGA[Tyr1021Cys]CLCPPGWSGR